The following is an entry in ClinVar:

ClinVar aggregate classification (germline): Conflicting classifications of pathogenicity. Review status: criteria provided, conflicting classifications (1 of 4 stars). 4 submissions from 4 submitters: Uncertain significance (1); Likely benign (3). Last evaluated 2026-01-06.

Conditions:
ABCC6-related disorder. Also called: ABCC6-related condition.
Arterial calcification, generalized, of infancy, 2. Identifiers: Orphanet 51608, MedGen C3276161, MONDO:0013768, OMIM 614473.
Autosomal recessive inherited pseudoxanthoma elasticum (PXE). Identifiers: Orphanet 758, MedGen CN032334, MONDO:0009925, OMIM 264800.
Pseudoxanthoma elasticum, forme fruste. Also called: Pseudoxanthoma Elasticum, Incomplete; PSEUDOXANTHOMA ELASTICUM, HETEROZYGOUS. Identifiers: Orphanet 758, MedGen C1867450, MONDO:0008333, OMIM 177850.

Allele frequency attached by ClinVar (database versions not stated): ExAC 0.00003; gnomAD 0.00003; gnomAD exomes 0.00004 and 0.00017; TOPMed 0.00006.
gnomAD v4.1: 250 of 1,613,740 alleles (0.015%); highest among the groups gnomAD compares: Non-Finnish European, 0.021%; no homozygotes.

Submissions (4):

Labcorp Genetics (formerly Invitae), Labcorp
Classification: Likely benign. Last evaluated: 2026-01-06. Review status: criteria provided, single submitter. Criteria: Invitae Variant Classification Sherloc (09022015). Collection method: clinical testing. Allele origin: germline.

PreventionGenetics, part of Exact Sciences
Classification: Uncertain significance for ABCC6-related condition. Last evaluated: 2024-11-25. Review status: criteria provided, single submitter. Criteria: ACMG Guidelines, 2015. Collection method: clinical testing. Allele origin: germline.
Comment: The ABCC6 c.1908C>T variant is not predicted to result in an amino acid change (p.=). This variant is predicted to alter splicing based on available splicing prediction program (SpliceAI, Jaganathan et al. 2019. PubMed ID: 30661751). However, the use of computer prediction programs is not equivalent to functional evidence. To our knowledge, this variant has not been reported in the literature. This variant is reported in 0.0079% of alleles in individuals of European (Non-Finnish) descent in gnomAD. At this time, the clinical significance of this variant is uncertain due to the absence of conclusive functional and genetic evidence.

Blueprint Genetics
Classification: Likely benign. Last evaluated: 2024-02-07. Review status: criteria provided, single submitter. Criteria: ACMG Guidelines, 2015. Collection method: clinical testing. Allele origin: germline.

Fulgent Genetics
Classification: Likely benign for Pseudoxanthoma elasticum, forme fruste; Autosomal recessive inherited pseudoxanthoma elasticum; Arterial calcification, generalized, of infancy, 2. Last evaluated: 2021-09-13. Review status: criteria provided, single submitter. Criteria: ACMG Guidelines, 2015. Collection method: clinical testing. Allele origin: unknown.

NM_001171.6(ABCC6):c.1908C>T (p.Phe636=)

Gene: ABCC6 (ATP binding cassette subfamily C member 6; minus strand). Cytogenetic location: 16p13.11.
Variant type: single nucleotide variant.
Coding change: c.1908C>T on transcript NM_001171.6 (MANE Select); coding-DNA position 1908, C replaced by T.
Protein change: p.Phe636=; no amino-acid change (phenylalanine 636 retained).
Molecular consequence: synonymous variant. On other transcripts: non-coding transcript variant (1).
Genome position (GRCh38, 1-based): chr16:16,184,994, G>A on the plus strand (C>T on the coding strand, the complement: ABCC6 is on the minus strand). VCF-style: chr16-16184994-G-A. GRCh37 (hg19) VCF-style: chr16-16278851-G-A.
Other names: c.1566C>T, p.Phe522= (NM_001351800.1).
Identifiers: ClinVar variation 740368 (VCV000740368.11), dbSNP rs767365625, ClinGen allele CA7926109.
Genomic context (GRCh38, chr16:16,184,994, plus strand): 5'-GGTTACTACGGGTGTCGTTCTGTACCTGTGGAGGCAGGGAGGGCTTTCCTGGGACCAGGC[G>A]AAGGTGGCACTGTGTATGGTGATGCAATCCTTCCCGGCAGCTGCAGGGCACAAGAGGCCA-3'
Protein context (NP_001162.5, residues 626-646): KDCITIHSAT[Phe636=]AWSQESPPCL